The following is an entry in ClinVar:

ClinVar aggregate classification (germline): Conflicting classifications of pathogenicity. Review status: criteria provided, conflicting classifications (1 of 4 stars). 6 submissions from 6 submitters: Uncertain significance (5); Likely benign (1). Last evaluated 2025-08-25.

Conditions:
COL6A3-related disorder. Also called: COL6A3-related disorders; COL6A3-related condition.
Dystonia 27 (DYT27). Identifiers: Orphanet 464440, MedGen C4225336, MONDO:0014627, OMIM 616411.
Ullrich congenital muscular dystrophy 1A. Also called: Intermediate COL6-RD; Ullrich congenital muscular dystrophy 1. Identifiers: Orphanet 75840, MedGen C0410179, MONDO:0009681, OMIM 254090.
Bethlem myopathy 1A. Also called: Bethlem Muscular Dystrophy; MYOPATHY, BENIGN CONGENITAL, WITH CONTRACTURES; Bethlem myopathy 1. Identifiers: Orphanet 610, MedGen CN029274, MONDO:0024530, OMIM 158810.

Allele frequency attached by ClinVar (database versions not stated): gnomAD exomes 0.00002 and 0.00009; ESP Exome Variant Server 0.00008; ExAC 0.00009; gnomAD 0.00009; TOPMed 0.00009.
gnomAD v4.1: 50 of 1,613,860 alleles (0.0031%); highest among the groups gnomAD compares: Admixed American, 0.038%; no homozygotes.

Submissions (6):

Labcorp Genetics (formerly Invitae), Labcorp
Classification: Likely benign for Bethlem myopathy 1A. Last evaluated: 2025-08-25. Review status: criteria provided, single submitter. Criteria: Invitae Variant Classification Sherloc (09022015). Collection method: clinical testing. Allele origin: germline.

Revvity Omics, Revvity
Classification: Uncertain significance. Last evaluated: 2024-12-10. Review status: criteria provided, single submitter. Criteria: ACMG Guidelines, 2015. Collection method: clinical testing. Allele origin: germline.

PreventionGenetics, part of Exact Sciences
Classification: Uncertain significance for COL6A3-related condition. Last evaluated: 2023-01-10. Review status: criteria provided, single submitter. Criteria: ACMG Guidelines, 2015. Collection method: clinical testing. Allele origin: germline.
Comment: The COL6A3 c.3055G>A variant is predicted to result in the amino acid substitution p.Gly1019Arg. To our knowledge, this variant has not been reported in the literature. This variant is reported in 0.038% of alleles in individuals of Latino descent in gnomAD. At this time, the clinical significance of this variant is uncertain due to the absence of conclusive functional and genetic evidence.

Department of Pathology and Laboratory Medicine, Sinai Health System
Classification: Uncertain significance for dystonia 27. Last evaluated: 2022-02-02. Review status: criteria provided, single submitter. Criteria: ACMG Guidelines, 2015. Collection method: research. Allele origin: germline.

Fulgent Genetics
Classification: Uncertain significance for Bethlem myopathy 1A; Ullrich congenital muscular dystrophy 1A; Dystonia 27. Last evaluated: 2018-10-31. Review status: criteria provided, single submitter. Criteria: ACMG Guidelines, 2015. Collection method: clinical testing. Allele origin: unknown.

Eurofins Ntd Llc (ga)
Classification: Uncertain significance. Last evaluated: 2016-06-01. Review status: criteria provided, single submitter. Criteria: EGL Classification Definitions 2015. Collection method: clinical testing. Allele origin: germline. Observed: 1 variant allele, 1 heterozygote.

NM_004369.4(COL6A3):c.3055G>A (p.Gly1019Arg)

Gene: COL6A3 (collagen type VI alpha 3 chain; minus strand). Cytogenetic location: 2q37.3.
Variant type: single nucleotide variant.
Coding change: c.3055G>A on transcript NM_004369.4 (MANE Select); coding-DNA position 3055, G replaced by A.
Protein change: p.Gly1019Arg; replaces glycine 1019 with arginine.
Molecular consequence: missense variant.
Genome position (GRCh38, 1-based): chr2:237,376,787, C>T on the plus strand (G>A on the coding strand, the complement: COL6A3 is on the minus strand). VCF-style: chr2-237376787-C-T. GRCh37 (hg19) VCF-style: chr2-238285430-C-T.
Other names: c.1834G>A, p.Gly612Arg (NM_057164.5); c.2437G>A, p.Gly813Arg (NM_057165.5, NM_057167.4); c.1234G>A, p.Gly412Arg (NM_057166.5); short protein forms G1019R, G412R, G813R, G612R.
Identifiers: ClinVar variation 288419 (VCV000288419.18), dbSNP rs370664069, ClinGen allele CA2189266.